The following is an entry in ClinVar:

ClinVar aggregate classification (germline): Pathogenic. Review status: criteria provided, multiple submitters, no conflicts (2 of 4 stars). 2 submissions from 2 submitters: Pathogenic (2). Last evaluated 2026-04-14.

Conditions:
Neurofibromatosis, type 1 (NF1). Also called: VON RECKLINGHAUSEN DISEASE; NEUROFIBROMATOSIS, TYPE I, SOMATIC; Peripheral type neurofibromatosis; Neurofibromatosis, type I. Identifiers: Orphanet 636, MedGen C0027831, MONDO:0018975, OMIM 162200. Disease mechanism: loss of function.

Submissions (2):

Myriad Genetics, Inc.
Classification: Pathogenic for Neurofibromatosis, type 1. Last evaluated: 2026-04-14. Review status: criteria provided, single submitter. Criteria: Myriad Autosomal Dominant, Autosomal Recessive and X-Linked Classification Criteria (2023). Collection method: clinical testing. Allele origin: unknown.
Comment: This variant is considered pathogenic. This variant creates a frameshift predicted to result in premature protein truncation.

Labcorp Genetics (formerly Invitae), Labcorp
Classification: Pathogenic for Neurofibromatosis, type 1. Last evaluated: 2025-03-04. Review status: criteria provided, single submitter. Criteria: Invitae Variant Classification Sherloc (09022015). Collection method: clinical testing. Allele origin: germline.
Comment: This sequence change creates a premature translational stop signal (p.Thr486Glnfs*12) in the NF1 gene. It is expected to result in an absent or disrupted protein product. Loss-of-function variants in NF1 are known to be pathogenic (PMID: 10712197, 23913538). This variant is not present in population databases (gnomAD no frequency). This variant has not been reported in the literature in individuals affected with NF1-related conditions. For these reasons, this variant has been classified as Pathogenic.

Literature cited by the submitters: PubMed 10712197 (cited by Labcorp Genetics (formerly Invitae), Labcorp); PubMed 23913538 (cited by Labcorp Genetics (formerly Invitae), Labcorp).

NM_001042492.3(NF1):c.1456del (p.Thr486fs)

Gene: NF1 (neurofibromin 1; plus strand). Cytogenetic location: 17q11.2.
Variant type: Deletion.
Coding change: c.1456del on transcript NM_001042492.3 (MANE Select); coding-DNA position 1456, one base deleted (A; older notation c.1456delA).
Protein change: p.Thr486fs; shifts the reading frame from threonine 486.
Molecular consequence: frameshift variant.
Genome position (GRCh38, 1-based): chr17:31,214,514, A deleted. VCF-style (leftmost placement, unchanged base first): chr17-31214513-GA-G. GRCh37 (hg19) VCF-style: chr17-29541531-GA-G.
Other names: c.1456del, p.Thr486fs (NM_000267.4, NM_001128147.3); short protein forms T486fs.
Identifiers: ClinVar variation 4713337 (VCV004713337.2).